The following is an entry in ClinVar:

ClinVar aggregate classification (germline): Likely benign. Review status: criteria provided, single submitter (1 of 4 stars). 2 submissions from 2 submitters: Likely benign (1). 1 of the submissions does not count toward it. Last evaluated 2024-06-15.

Conditions:
TRIP13-related disorder. Also called: TRIP13-related condition.

Allele frequency attached by ClinVar (database versions not stated): gnomAD exomes 0.00001; TOPMed below 0.00001; gnomAD 0.00001.

Submissions (2):

Labcorp Genetics (formerly Invitae), Labcorp
Classification: Likely benign. Last evaluated: 2024-06-15. Review status: criteria provided, single submitter. Criteria: Invitae Variant Classification Sherloc (09022015). Collection method: clinical testing. Allele origin: germline.

PreventionGenetics, part of Exact Sciences
Classification: Likely benign for TRIP13-related condition. Last evaluated: 2022-02-03. Review status: no assertion criteria provided. Collection method: clinical testing. Allele origin: germline. Not counted in ClinVar's aggregate classification.
Comment: This variant is classified as likely benign based on ACMG/AMP sequence variant interpretation guidelines (Richards et al. 2015 PMID: 25741868, with internal and published modifications).

NM_004237.4(TRIP13):c.123T>C (p.Ser41=)

Gene: TRIP13 (thyroid hormone receptor interactor 13; plus strand). Cytogenetic location: 5p15.33.
Variant type: single nucleotide variant.
Coding change: c.123T>C on transcript NM_004237.4 (MANE Select); coding-DNA position 123, T replaced by C.
Protein change: p.Ser41=; no amino-acid change (serine 41 retained).
Molecular consequence: synonymous variant.
Genome position (GRCh38, 1-based): chr5:894,817, T>C. VCF-style: chr5-894817-T-C. GRCh37 (hg19) VCF-style: chr5-894932-T-C.
Other names: c.123T>C, p.Ser41= (NM_001166260.2).
Identifiers: ClinVar variation 747571 (VCV000747571.7), dbSNP rs1252521225, ClinGen allele CA442997441.